The following is an entry in ClinVar:

ClinVar aggregate classification (germline): Conflicting classifications of pathogenicity. Review status: criteria provided, conflicting classifications (1 of 4 stars). 4 submissions from 4 submitters: Pathogenic (1); Uncertain significance (3). Last evaluated 2026-04-14.

Conditions:
Benign recurrent intrahepatic cholestasis type 2 (BRIC2). Also called: Recurrent familial intrahepatic cholestasis 2. Identifiers: Orphanet 65682, Orphanet 99961, MedGen C2608083, MONDO:0011559, OMIM 605479.
Familial intrahepatic cholestasis. Identifiers: Orphanet 284385, MedGen CN296401, MONDO:0017290.
Progressive familial intrahepatic cholestasis type 2. Identifiers: Orphanet 79304, MedGen C3489789, MONDO:0011156, OMIM 601847.

Allele frequency attached by ClinVar (database versions not stated): gnomAD 0.00001; gnomAD exomes 0.00001; TOPMed 0.00001.
gnomAD v4.1: 8 of 1,612,826 alleles (0.0005%); highest among the groups gnomAD compares: Non-Finnish European, 0.00068%; no homozygotes.

Submissions (4):

Genomenon, Inc
Classification: Uncertain significance for Familial intrahepatic cholestasis. Last evaluated: 2026-04-14. Review status: criteria provided, single submitter. Criteria: Genomenon Sequence Variant Interpretation Standards - Updated. Collection method: curation. Allele origin: germline. Affected: yes.
Comment: ABCB11 p.Asp496Val (c.1487A>T) is a missense variant that changes the amino acid at residue 496 from Aspartic acid to Valine. This variant has been observed in at least one proband with an ABCB11-related disorder (PMID:37361697;32793533;28733223). It is absent or not present at a significant frequency in gnomAD. In conclusion, we classify ABCB11 p.Asp496Val (c.1487A>T) as a variant of uncertain significance.

Broad Center for Mendelian Genomics, Broad Institute of MIT and Harvard
Classification: Uncertain significance for Progressive familial intrahepatic cholestasis type 2. Last evaluated: 2025-01-27. Review status: criteria provided, single submitter. Criteria: ACMG Guidelines, 2015. Collection method: curation. Allele origin: germline. Inheritance: Autosomal recessive inheritance.
Comment: The p.Asp496Val variant in ABCB11 has been reported in 2 individuals with BSEP deficiency (PMID: 28733223, 32793533), and has been identified in 0.0007% (8/1179378) of European (non-Finnish) chromosomes by the Genome Aggregation Database (gnomAD; dbSNP rs1366346212). Although this variant has been seen in the general population in a heterozygous state, its frequency is low enough to be consistent with a recessive carrier frequency. This variant has also been reported in ClinVar (Variation ID: 2581352 ) and has been interpreted as pathogenic by Baylor Genetics and a variant of uncertain significance by Women's Health and Genetics/Laboratory Corporation of America (LabCorp). Of the 2 affected individuals, 1 was a compound heterozygote that carried a reported pathogenic variant with unknown phase, which increases the likelihood that the p.Asp496Val variant is pathogenic (Variation ID: 596620; PMID: 28733223). Computational prediction tools and conservation analyses do not provide strong support for or against an impact to the protein. In summary, the clinical significance of the p.Asp496Val variant is uncertain. ACMG/AMP Criteria applied: PM2_supporting, PM3_supporting (Richards 2015).

Women's Health and Genetics/Laboratory Corporation of America, LabCorp
Classification: Uncertain significance. Last evaluated: 2023-08-03. Review status: criteria provided, single submitter. Criteria: LabCorp Variant Classification Summary - May 2015. Collection method: clinical testing. Allele origin: germline.
Comment: Variant summary: ABCB11 c.1487A>T (p.Asp496Val) results in a non-conservative amino acid change located in the ABC transporter-like, ATP-binding domain (IPR003439) of the encoded protein sequence. Four of five in-silico tools predict a damaging effect of the variant on protein function. The variant was absent in 248140 control chromosomes (gnomAD). c.1487A>T has been reported in the literature as a compound heterozygous genotype in at least two individuals affected with Familial Intrahepatic Cholestasis (e.g. Droge_2017, Lipiski_2020). These data indicate that the variant may be associated with disease. To our knowledge, no experimental evidence demonstrating an impact on protein function has been reported. The following publications have been ascertained in the context of this evaluation (PMID: 28733223, 32793533). No submitters have cited clinical-significance assessments for this variant to ClinVar after 2014. Based on the evidence outlined above, the variant was classified as VUS-possibly pathogenic.

Baylor Genetics
Classification: Pathogenic for Benign recurrent intrahepatic cholestasis type 2. Last evaluated: 2023-03-31. Review status: criteria provided, single submitter. Criteria: ACMG Guidelines, 2015. Collection method: clinical testing. Allele origin: unknown.

Literature cited by the submitters: PubMed 37361697 (cited by Genomenon, Inc); PubMed 32793533 (cited by Genomenon, Inc and Women's Health and Genetics/Laboratory Corporation of America, LabCorp); PubMed 28733223 (cited by Genomenon, Inc and Women's Health and Genetics/Laboratory Corporation of America, LabCorp).

NM_003742.4(ABCB11):c.1487A>T (p.Asp496Val)

Gene: ABCB11 (ATP binding cassette subfamily B member 11; minus strand). Cytogenetic location: 2q31.1.
Variant type: single nucleotide variant.
Coding change: c.1487A>T on transcript NM_003742.4 (MANE Select); coding-DNA position 1487, A replaced by T.
Protein change: p.Asp496Val; replaces aspartic acid 496 with valine.
Molecular consequence: missense variant.
Genome position (GRCh38, 1-based): chr2:168,971,998, T>A on the plus strand (A>T on the coding strand, the complement: ABCB11 is on the minus strand). VCF-style: chr2-168971998-T-A. GRCh37 (hg19) VCF-style: chr2-169828508-T-A.
Other names: NM_003742.4(ABCB11):c.1487A>T; p.Asp496Val; short protein forms D496V.
Identifiers: ClinVar variation 2581352 (VCV002581352.4), dbSNP rs1366346212, ClinGen allele CA349115979.